The following is an entry in ClinVar:

ClinVar aggregate classification (germline): Conflicting classifications of pathogenicity. Review status: criteria provided, conflicting classifications (1 of 4 stars). 10 submissions from 10 submitters: Uncertain significance (7); Likely benign (3). Last evaluated 2025-11-18.

Conditions:
Hereditary cancer-predisposing syndrome. Also called: Hereditary Cancer Syndrome; Hereditary neoplastic syndrome; Tumor predisposition; Neoplastic Syndromes, Hereditary. Identifiers: Orphanet 140162, MedGen C0027672, MeSH D009386, MONDO:0015356.
Hereditary breast ovarian cancer syndrome. Also called: Hereditary breast and ovarian cancer syndrome; Hereditary breast and ovarian cancer syndrome (HBOC); BRCA1- and BRCA2-Associated Hereditary Breast and Ovarian Cancer; Breast and ovarian cancer; Hereditary breast and ovarian cancer; Hereditary breast and/or ovarian cancer syndrome. Identifiers: Orphanet 145, MedGen C0677776, MeSH D061325, MONDO:0003582. Disease mechanism: loss of function.
Breast-ovarian cancer, familial, susceptibility to, 1 (BROVCA1). Also called: OVARIAN CANCER, SUSCEPTIBILITY TO; BRCA1 Hereditary Breast and Ovarian Cancer. Identifiers: Orphanet 145, MedGen C2676676, MONDO:0011450, OMIM 604370. Disease mechanism: loss of function.

Allele frequency attached by ClinVar (database versions not stated): gnomAD exomes below 0.00001.

Submissions (11):

Dasa
Classification: Likely benign. Last evaluated: 2025-11-18. Review status: criteria provided, single submitter. Criteria: DASA Assertion Criteria. Collection method: clinical testing. Allele origin: germline.
Comment: NM_007294.4(BRCA1):c.60A>C (p.Lys20Asn) is a missense variant that results in the substitution of lysine with asparagine. Functional evidence supports a deleterious effect on the gene or gene product (PMID: 30209399). This variant has been reported in individuals with related phenotype (PMID: 30209399). Multiple computational predictions suggest no deleterious effect on the gene or gene product. The variant is present at low frequency in population datasets. Based on the available data, this variant is classified as likely benign.

Color Diagnostics, LLC DBA Color Health
Classification: Uncertain significance for Hereditary cancer-predisposing syndrome. Last evaluated: 2025-09-30. Review status: criteria provided, single submitter. Criteria: ACMG Guidelines, 2015. Collection method: clinical testing. Allele origin: germline.
Comment: This missense variant replaces lysine with asparagine at codon 20 of the BRCA1 protein. Computational prediction is inconclusive regarding the impact of this variant on protein structure and function. Functional studies have reported that this variant does not impact BRCA1 in a haploid cell proliferation assay and in BARD1 binding and ubiquitin E2 ligase assays (PMID: 25823446, 30209399). This variant has been reported in an individual affected with breast cancer (PMID: 23096355). Multifactorial analysis on clinical data has reached a combined likelihood ratio (LR) of 0.6 from published LR for 1 carrier (PMID: 31853058). This variant has not been identified in the general population by the Genome Aggregation Database (gnomAD). The available evidence is insufficient to determine the role of this variant in disease conclusively. Therefore, this variant is classified as a Variant of Uncertain Significance.

Labcorp Genetics (formerly Invitae), Labcorp
Classification: Uncertain significance for Hereditary breast ovarian cancer syndrome. Last evaluated: 2025-07-31. Review status: criteria provided, single submitter. Criteria: Invitae Variant Classification Sherloc (09022015). Collection method: clinical testing. Allele origin: germline.
Comment: This sequence change replaces lysine, which is basic and polar, with asparagine, which is neutral and polar, at codon 20 of the BRCA1 protein (p.Lys20Asn). This variant is present in population databases (rs202168814, gnomAD 0.0009%). This missense change has been observed in individual(s) with early-onset breast cancer (PMID: 23096355). ClinVar contains an entry for this variant (Variation ID: 182121). Invitae Evidence Modeling incorporating data from in vitro experimental studies (PMID: 30209399) indicates that this missense variant is not expected to disrupt BRCA1 function with a negative predictive value of 95%. Experimental studies have shown that this missense change does not substantially affect BRCA1 function (PMID: 30209399). In summary, the available evidence is currently insufficient to determine the role of this variant in disease. Therefore, it has been classified as a Variant of Uncertain Significance.

Lupski Lab, Baylor-Hopkins CMG, Baylor College of Medicine
Classification: Likely benign for Breast-ovarian cancer, familial, susceptibility to, 1. Last evaluated: 2024-04-12. Review status: criteria provided, single submitter. Criteria: Dawood et al. (medRxiv. 2024). Collection method: curation. Allele origin: germline.
Comment: Each variant was annotated with functional scores from MAVE data which was translated into functional evidence codes. All other evidence codes and combining criteria were adhered to as closely as possible based on the ClinGen VCEP (Variant Curation Expert Panel) gene-specific recommendations. See Supplemental Figure 34 of final paper (Supp Fig. 28 in preprint: doi:10.1101/2024.04.11.24305690) for a table to see which lines of evidence we did not have data for. The ClinGen VCEPs are highly regarded as the gold-standard for gene-specific variant curation and are developed after extensive evaluation of the evidence by clinical and scientific experts for the particular gene to classify genomic variants on a spectrum from pathogenic to benign using the 2015 ACMG/AMP Variant Interpretation Guidelines as a backbone (PMID: 25741868). Reclassification of these VUS variants from gnomAD or All of Us focused only on variants originally prescribed as VUS in ClinVar. To ensure reproducibility, transparency, and increased throughput, all the procedures for annotating variants and assigning evidence codes were codified using Python. All code has been made freely available and is linked in the Code Availability section and all reclassified variants with evidence codes used can be found in Tables S18-19 (preprint: doi:10.1101/2024.04.11.24305690). For the MAVE data, the clinical curation and clinical strength assignment as per the ClinGen recommendations in Brnich et al. (2020) (PMID: 31892348) for or against pathogenicity or benignity of each of these MAVE datasets utilized in this study were previously published in Fayer et al. (2021) (PMID: 34793697).In brief, for BRCA1 variants, if a variant was categorized as FUNC (functional), it was assigned BS3 evidence and no PS3 evidence, whereas if it was categorized as LOF (loss of function), the variant was assigned PS3 evidence and no BS3 evidence. Variants categorized as INT (intermediate) were left unannotated. For the BRCA1 combining criteria, greater than or equal to 1 criteria of strong benign evidence was enough to reclassify the VUS as Likely Benign. This variant GRCh38:17:43124037:T>G was assigned evidence codes ['BS3', 'BP4'] and an overall classification of Likely benign

GeneDx
Classification: Uncertain significance. Last evaluated: 2024-03-18. Review status: criteria provided, single submitter. Criteria: GeneDx Variant Classification Process June 2021. Collection method: clinical testing. Allele origin: germline. Affected: yes.
Comment: Identified in an individual with a personal and family history of breast cancer (PMID: 23096355); Not observed at significant frequency in large population cohorts (gnomAD); In silico analysis supports that this missense variant has a deleterious effect on protein structure/function; Also known as 179A>C; This variant is associated with the following publications: (PMID: 27720647, 23096355, 30209399)

Baylor Genetics
Classification: Uncertain significance for Breast-ovarian cancer, familial, susceptibility to, 1. Last evaluated: 2023-12-11. Review status: criteria provided, single submitter. Criteria: ACMG Guidelines, 2015. Collection method: clinical testing. Allele origin: unknown.

All of Us Research Program, National Institutes of Health
Classification: Uncertain significance for Breast-ovarian cancer, familial, susceptibility to, 1. Last evaluated: 2023-03-04. Review status: criteria provided, single submitter. Criteria: ACMG Guidelines, 2015. Collection method: clinical testing. Allele origin: germline. Inheritance: Autosomal dominant inheritance. Observed: 1 variant allele, 1 heterozygote.
Comment: This study involves interpretation of variants in research participants for the purpose of population health screening. Participant phenotype was not available at the time of variant classification. Additional details can be found in publication PMID: 35346344, PMCID: PMC8962531

Ambry Genetics
Classification: Likely benign for Hereditary cancer-predisposing syndrome. Last evaluated: 2021-05-28. Review status: criteria provided, single submitter. Criteria: Ambry Variant Classification Scheme 2023. Collection method: clinical testing. Allele origin: germline.

Quest Diagnostics Nichols Institute San Juan Capistrano
Classification: Uncertain significance. Last evaluated: 2021-01-18. Review status: criteria provided, single submitter. Criteria: Quest Diagnostics criteria. Collection method: clinical testing. Allele origin: unknown.

Mendelics
Classification: Uncertain significance for Hereditary breast and ovarian cancer syndrome. Last evaluated: 2018-07-02. Review status: criteria provided, single submitter. Criteria: Mendelics Assertion Criteria 2017. Collection method: clinical testing. Allele origin: unknown.

Brotman Baty Institute, University of Washington
No classification provided (evidence only). Condition: Breast-ovarian cancer, familial 1. Review status: no classification provided. Collection method: in vitro. Allele origin: not applicable. Functional consequence: functionally_normal. Not counted in ClinVar's aggregate classification.
ClinVar note: "not provided" was previously submitted as the classification for the variant. However, the classification appeared to be based only on an observation of functional data so it was converted to no classification on 2025-07-30.

Literature cited by the submitters: PubMed 30209399 (cited by 5 submitters); PubMed 23096355 (cited by 3 submitters); PubMed 25823446 (cited by Color Diagnostics, LLC DBA Color Health); PubMed 31853058 (cited by Color Diagnostics, LLC DBA Color Health); PubMed 39142283 (cited by Lupski Lab, Baylor-Hopkins CMG, Baylor College of Medicine); PubMed 34793697 (cited by Lupski Lab, Baylor-Hopkins CMG, Baylor College of Medicine); DOI 10.1101/2024.04.11.24305690 (cited by Lupski Lab, Baylor-Hopkins CMG, Baylor College of Medicine).

NM_007294.4(BRCA1):c.60A>C (p.Lys20Asn)

Gene: BRCA1 (BRCA1 DNA repair associated; minus strand). Cytogenetic location: 17q21.31.
Variant type: single nucleotide variant.
Coding change: c.60A>C on transcript NM_007294.4 (MANE Select); coding-DNA position 60, A replaced by C.
Protein change: p.Lys20Asn; replaces lysine 20 with asparagine.
Molecular consequence: missense variant. On other transcripts: 5 prime UTR variant (1), non-coding transcript variant (1).
Genome position (GRCh38, 1-based): chr17:43,124,037, T>G on the plus strand (A>C on the coding strand, the complement: BRCA1 is on the minus strand). VCF-style: chr17-43124037-T-G. GRCh37 (hg19) VCF-style: chr17-41276054-T-G.
Other names: p.K20N:AAA>AAC; c.-129A>C (NM_001407571.1, NM_001407853.1, NM_001407879.1 and 46 more transcripts); c.60A>C, p.Lys20Asn (NM_001407581.1, NM_001407582.1, NM_001407583.1 and 193 more transcripts); c.-343A>C (NM_001407696.1); c.-227A>C (NM_001407697.1, NM_001407846.1, NM_001407920.1); c.-28A>C (NM_001407698.1, NM_001407732.1, NM_001407736.1 and 23 more transcripts); c.-198A>C (NM_001407724.1, NM_001407727.1, NM_001407731.1 and 11 more transcripts); c.-201A>C (NM_001407725.1, NM_001407730.1, NM_001407734.1 and 22 more transcripts); and 9 more; short protein forms K20N.
Identifiers: ClinVar variation 182121 (VCV000182121.26), dbSNP rs202168814, ClinGen allele CA003760.